The following is an entry in ClinVar:

ClinVar aggregate classification (germline): Pathogenic/Likely pathogenic. Review status: criteria provided, multiple submitters, no conflicts (2 of 4 stars). 6 submissions from 6 submitters: Pathogenic (4); Likely pathogenic (1). 1 of the submissions does not count toward it. Last evaluated 2026-08-14.

Conditions:
UCHL1-related disorder. Also called: UCHL1-related condition.
Spastic paraplegia 79A, autosomal dominant, with ataxia (SPG79A). Also called: Spastic paraplegia 79A, autosomal dominant. Identifiers: MedGen C5774300, MONDO:0859363, OMIM 620221.
Optic neuropathy. Also called: Optic nerve disorder. Identifiers: MedGen C3887709, MONDO:0002135, HP:0001138.

Submissions (6):

Genetics Laboratory, Great Ormond Street Hospital NHS Foundation Trust, North Thames Genomic Laboratory Hub
Classification: Pathogenic for Optic neuropathy. Last evaluated: 2026-08-14. Review status: criteria provided, single submitter. Criteria: ACGS Best Practice Guidelines for Variant Classification in Rare Disease 2024 v1.2. Collection method: clinical testing. Allele origin: germline. Affected: yes.
Comment: PS4_supporting, PM2_moderate, PVS1_very-strong, PP1_supporting

GeneDx
Classification: Pathogenic. Last evaluated: 2025-04-11. Review status: criteria provided, single submitter. Criteria: GeneDx Variant Classification Process June 2021. Collection method: clinical testing. Allele origin: germline. Affected: yes.
Comment: Frameshift variant predicted to result in protein truncation or nonsense mediated decay in a gene for which loss of function is a known mechanism of disease; Not observed at significant frequency in large population cohorts (gnomAD); This variant is associated with the following publications: (PMID: 35986737)

CeGaT Center for Human Genetics Tuebingen
Classification: Pathogenic. Last evaluated: 2024-01-01. Review status: criteria provided, single submitter. Criteria: CeGaT Center For Human Genetics Tuebingen Variant Classification Criteria Version 2. Collection method: clinical testing. Allele origin: germline. Affected: yes. Observed: 3 variant alleles.
Comment: UCHL1: PP1:Strong, PVS1:Strong, PM2

Blueprint Genetics
Classification: Pathogenic for UCHL1-related disorders. Last evaluated: 2023-09-18. Review status: criteria provided, single submitter. Criteria: ACMG Guidelines, 2015. Collection method: clinical testing. Allele origin: germline. Affected: yes. Observed: 1 variant allele.

Institute of Medical Genetics and Applied Genomics, University Hospital Tübingen
Classification: Likely pathogenic. Last evaluated: 2020-10-23. Review status: criteria provided, single submitter. Criteria: ACMG Guidelines, 2015. Collection method: clinical testing. Allele origin: germline. Inheritance: Autosomal unknown. Affected: yes.

OMIM
Classification: Pathogenic for SPASTIC PARAPLEGIA 79A, AUTOSOMAL DOMINANT, WITH ATAXIA. Last evaluated: 2024-01-30. Review status: no assertion criteria provided. Collection method: literature only. Allele origin: germline. Not counted in ClinVar's aggregate classification.

Literature cited by the submitters: PubMed 37650884 (cited by OMIM).

NM_004181.5(UCHL1):c.349_364del (p.Phe117fs)

Gene: UCHL1 (ubiquitin C-terminal hydrolase L1; plus strand). Cytogenetic location: 4p13.
Variant type: Deletion.
Coding change: c.349_364del on transcript NM_004181.5 (MANE Select); coding-DNA positions 349 to 364, 16 bases deleted (TTTCTTTCTGAAACAG).
Protein change: p.Phe117fs; shifts the reading frame from phenylalanine 117.
Molecular consequence: frameshift variant.
Genome position (GRCh38, 1-based): chr4:41,261,738-41,261,753, TTTCTTTCTGAAACAG deleted; deleting any 16 consecutive bases within chr4:41,261,727-41,261,753 gives the same sequence; the c. name uses the placement nearest the transcript's 3' end. VCF-style (leftmost placement, unchanged base first): chr4-41261726-GTTCTGAAACAGTTTCT-G. GRCh37 (hg19) VCF-style: chr4-41263743-GTTCTGAAACAGTTTCT-G.
Other names: short protein forms F117fs.
Identifiers: ClinVar variation 987431 (VCV000987431.33), dbSNP rs1781070341, ClinGen allele CA1139658480.